The following is an entry in ClinVar:

NM_015046.7(SETX):c.7849A>G (p.Thr2617Ala)

Gene: SETX (senataxin; minus strand). Cytogenetic location: 9q34.13.
Variant type: single nucleotide variant.
Coding change: c.7849A>G on transcript NM_015046.7 (MANE Select); coding-DNA position 7849, A replaced by G.
Protein change: p.Thr2617Ala; replaces threonine 2617 with alanine.
Molecular consequence: missense variant.
Genome position (GRCh38, 1-based): chr9:132,264,424, T>C on the plus strand (A>G on the coding strand, the complement: SETX is on the minus strand). VCF-style: chr9-132264424-T-C. GRCh37 (hg19) VCF-style: chr9-135139811-T-C.
Other names: c.7849A>G, p.Thr2617Ala (NM_001351527.2); c.7936A>G, p.Thr2646Ala (NM_001351528.2); short protein forms T2617A, T2646A.
Identifiers: ClinVar variation 4789530 (VCV004789530.1).

ClinVar aggregate classification (germline): Uncertain significance (1 of 4 stars; one submission).

Conditions:
Spinocerebellar ataxia, autosomal recessive, with axonal neuropathy 2 (SCAN2). Also called: ATAXIA-OCULOMOTOR APRAXIA 2; Ataxia with Oculomotor Apraxia; Ataxia-ocular apraxia-2; Ataxia with Oculomotor Apraxia Type 2. Identifiers: Orphanet 64753, MedGen C1853761, MONDO:0018996, OMIM 606002.
Amyotrophic lateral sclerosis type 4 (ALS4). Also called: AMYOTROPHIC LATERAL SCLEROSIS 4, JUVENILE; NEURONOPATHY, DISTAL HEREDITARY MOTOR, WITH PYRAMIDAL FEATURES. Identifiers: Orphanet 357043, MedGen C1865409, MONDO:0011223, OMIM 602433.

Submission:

Labcorp Genetics (formerly Invitae), Labcorp
Classification: Uncertain significance for Amyotrophic lateral sclerosis type 4; Spinocerebellar ataxia, autosomal recessive, with axonal neuropathy 2. Last evaluated: 2026-01-13. Review status: criteria provided, single submitter. Criteria: Invitae Variant Classification Sherloc (09022015). Collection method: clinical testing. Allele origin: germline.
Comment: This sequence change replaces threonine, which is neutral and polar, with alanine, which is neutral and non-polar, at codon 2617 of the SETX protein (p.Thr2617Ala). This variant is not present in population databases (gnomAD no frequency). This variant has not been reported in the literature in individuals affected with SETX-related conditions. Invitae Evidence Modeling of protein sequence and biophysical properties (such as structural, functional, and spatial information, amino acid conservation, physicochemical variation, residue mobility, and thermodynamic stability) indicates that this missense variant is not expected to disrupt SETX protein function with a negative predictive value of 95%. In summary, the available evidence is currently insufficient to determine the role of this variant in disease. Therefore, it has been classified as a Variant of Uncertain Significance.